The following is an entry in ClinVar:

ClinVar aggregate classification (germline): Pathogenic. Review status: criteria provided, multiple submitters, no conflicts (2 of 4 stars). 5 submissions from 5 submitters: Pathogenic (4). 1 of the submissions does not count toward it. Last evaluated 2025-01-17.

Conditions:
Inborn genetic diseases. Identifiers: MedGen C0950123, MeSH D030342.
Houge-Janssens syndrome 1. Also called: Hogue-Janssens syndrome 1; PPP2R5D-Related Neurodevelopmental Disorder; Intellectual disability-macrocephaly-hypotonia-behavioral abnormalities syndrome; INTELLECTUAL DEVELOPMENTAL DISORDER, AUTOSOMAL DOMINANT 35. Identifiers: Orphanet 457279, MedGen C5779996, MONDO:0014602, OMIM 616355.

Submissions (5):

Labcorp Genetics (formerly Invitae), Labcorp
Classification: Pathogenic. Last evaluated: 2025-01-17. Review status: criteria provided, single submitter. Criteria: Invitae Variant Classification Sherloc (09022015). Collection method: clinical testing. Allele origin: germline.
Comment: This sequence change replaces glutamic acid, which is acidic and polar, with lysine, which is basic and polar, at codon 420 of the PPP2R5D protein (p.Glu420Lys). This variant is not present in population databases (gnomAD no frequency). This missense change has been observed in individual(s) with PPP2R5D-related conditions (PMID: 26576547). In at least one individual the variant was observed to be de novo. ClinVar contains an entry for this variant (Variation ID: 217912). An algorithm developed to predict the effect of missense changes on protein structure and function (PolyPhen-2) suggests that this variant is likely to be disruptive. For these reasons, this variant has been classified as Pathogenic.

GeneDx
Classification: Pathogenic. Last evaluated: 2022-05-06. Review status: criteria provided, single submitter. Criteria: GeneDx Variant Classification Process June 2021. Collection method: clinical testing. Allele origin: germline. Affected: yes.
Comment: Published functional studies demonstrate a damaging effect; cells expressing the variant constitutively activated AKT-mTOR signaling leading to increased cell size and uncoordinated cell growth compared to WT cells (Papke et al., 2021).; Not observed at significant frequency in large population cohorts (gnomAD); In silico analysis supports that this missense variant has a deleterious effect on protein structure/function; This variant is associated with the following publications: (PMID: 27479843, 33482199, 29051493, 28867141, 32074998, 26576547, 27535533, 34448180)

Ambry Genetics
Classification: Pathogenic for Inborn genetic diseases. Last evaluated: 2021-11-30. Review status: criteria provided, single submitter. Criteria: Ambry Variant Classification Scheme 2023. Collection method: clinical testing. Allele origin: germline.
Comment: The c.1258G>A (p.E420K) alteration is located in coding exon 12 of the PPP2R5D gene. This alteration results from a G to A substitution at nucleotide position 1258, causing the glutamic acid (E) at amino acid position 420 to be replaced by a lysine (K). This variant was not reported in population-based cohorts in the Genome Aggregation Database (gnomAD). This alteration has been reported de novo in multiple patients with neurodevelopmental disorders (Shang, 2016; Kurtz-Nelson, 2020). Three patients reported by Shang et al. (2016) had global developmental delay, severe intellectual disability, macrocephaly, hypotonia, autism spectrum disorder, and brain abnormalities. This amino acid position is highly conserved in available vertebrate species. This missense alteration is located in a region that has a low rate of benign missense variation (Lek, 2016; Firth, 2009). Functional studies using HEK-293 cells with the E420K mutant allele showed changes in kinase/phosphate signaling. Orthogonal validation studies also showed that the E420K-variant cells lead to constitutively active AKT-mTOR signaling, increased cell size, and uncoordinated cellular growth (Papke, 2021). The in silico prediction for this alteration is inconclusive. Based on the available evidence, this alteration is classified as pathogenic.

Institute of Medical Genetics and Applied Genomics, University Hospital Tübingen
Classification: Pathogenic. Last evaluated: 2020-10-23. Review status: criteria provided, single submitter. Criteria: ACMG Guidelines, 2015. Collection method: clinical testing. Allele origin: germline. Inheritance: Autosomal dominant inheritance. Affected: yes.

GeneReviews
No classification provided. Condition: Houge-Janssens syndrome 1. Review status: no classification provided. Collection method: literature only. Allele origin: de novo. Not counted in ClinVar's aggregate classification.

Literature cited by the submitters: PubMed 26576547 (cited by Labcorp Genetics (formerly Invitae), Labcorp and Ambry Genetics); PubMed 33482199 (cited by Ambry Genetics); PubMed 33727758 (cited by Ambry Genetics); NCBI Bookshelf NBK536360 (cited by GeneReviews); PubMed 30676711 (cited by GeneReviews).

NM_006245.4(PPP2R5D):c.1258G>A (p.Glu420Lys)

Gene: PPP2R5D (protein phosphatase 2 regulatory subunit B'delta; plus strand). Cytogenetic location: 6p21.1.
Variant type: single nucleotide variant.
Coding change: c.1258G>A on transcript NM_006245.4 (MANE Select); coding-DNA position 1258, G replaced by A.
Protein change: p.Glu420Lys; replaces glutamic acid 420 with lysine.
Molecular consequence: missense variant.
Genome position (GRCh38, 1-based): chr6:43,009,328, G>A. VCF-style: chr6-43009328-G-A. GRCh37 (hg19) VCF-style: chr6-42977066-G-A.
Other names: c.805G>A, p.Glu269Lys (NM_001270476.2); c.1162G>A, p.Glu388Lys (NM_180976.3); c.940G>A, p.Glu314Lys (NM_180977.3); short protein forms E420K, E388K, E269K, E314K.
Identifiers: ClinVar variation 217912 (VCV000217912.19), dbSNP rs863225080, ClinGen allele CA325483.